The following is an entry in ClinVar:

ClinVar aggregate classification (germline): Uncertain significance (1 of 4 stars; one submission).

Submission:

GeneDx
Classification: Uncertain significance. Last evaluated: 2024-07-11. Review status: criteria provided, single submitter. Criteria: GeneDx Variant Classification Process June 2021. Collection method: clinical testing. Allele origin: germline. Affected: yes.
Comment: Not observed at significant frequency in large population cohorts (gnomAD); In silico analysis supports that this missense variant has a deleterious effect on protein structure/function; Also known as p.(Gly80Arg); Identified as heterozygous in a patient with Parkinson's disease (PMID: 20947659); This variant is associated with the following publications: (PMID: 20947659)

NM_000157.4(GBA1):c.355G>A (p.Gly119Arg)

Genes: GBA1 (glucosylceramidase beta 1; minus strand), LOC106627981 (GBA recombination region; plus strand). Cytogenetic location: 1q22.
Variant type: single nucleotide variant.
Coding change: c.355G>A on transcript NM_000157.4 (MANE Select); coding-DNA position 355, G replaced by A.
Protein change: p.Gly119Arg; replaces glycine 119 with arginine.
Molecular consequence: missense variant. On other transcripts: intron variant (1).
Genome position (GRCh38, 1-based): chr1:155,239,715, C>T on the plus strand (G>A on the coding strand, the complement: GBA1 is on the minus strand). VCF-style: chr1-155239715-C-T. GRCh37 (hg19) VCF-style: chr1-155209506-C-T.
Other names: c.355G>A, p.Gly119Arg (NM_001005741.3, NM_001005742.3); c.94G>A, p.Gly32Arg (NM_001171811.2); c.307+171G>A (NM_001171812.2); short protein forms G32R, G119R.
Identifiers: ClinVar variation 3572466 (VCV003572466.1).